The following is an entry in ClinVar:

ClinVar aggregate classification (germline): Uncertain significance (0 of 4 stars; one submission).

Allele frequency attached by ClinVar (database versions not stated): ExAC 0.00003; gnomAD exomes 0.00006 and 0.00017; 1000 Genomes Project 30x 0.00031; 1000 Genomes Project 0.00040; gnomAD 0.00040 and 0.00041; TOPMed 0.00041.
gnomAD v4.1: 140 of 1,614,086 alleles (0.0087%); highest among the groups gnomAD compares: Admixed American, 0.19%; 2 homozygotes.

Submission:

Department of Pathology and Laboratory Medicine, Sinai Health System
Classification: Uncertain significance. Review status: no assertion criteria provided. Collection method: clinical testing. Allele origin: unknown. Affected: yes. Study: The Canadian Open Genetics Repository (COGR).
Comment: The NPC1L1 p.Gly190Gly variant was not identified in the literature nor was it identified in the ClinVar or LOVD 3.0 databases. The variant was identified in dbSNP (ID: rs201068177) and Cosmic (predicted neutral by FATHMM). The variant was identified in control databases in 45 of 282334 chromosomes (1 homozygous) at a frequency of 0.000159 (Genome Aggregation Database Feb 27, 2017). The variant was observed in the following populations: Latino in 38 of 35434 chromosomes (freq: 0.001072), South Asian in 3 of 30614 chromosomes (freq: 0.000098), African in 2 of 24948 chromosomes (freq: 0.00008) and European (non-Finnish) in 2 of 128756 chromosomes (freq: 0.000016), but was not observed in the Ashkenazi Jewish, East Asian, European (Finnish), and Other populations. The p.Gly190Gly variant is not expected to have clinical significance because it does not result in a change of amino acid and is not located in a known consensus splice site, however 3 of 4 in silico or computational prediction software programs (SpliceSiteFinder, MaxEntScan, and GeneSplicer) predict the creation of a 5' splice site. However, this information is not predictive enough to assume pathogenicity. In summary, based on the above information the clinical significance of this variant cannot be determined with certainty at this time. This variant is classified as a variant of uncertain significance.

NM_001101648.2(NPC1L1):c.570C>T (p.Gly190=)

Gene: NPC1L1 (NPC1 like intracellular cholesterol transporter 1; minus strand). Cytogenetic location: 7p13.
Variant type: single nucleotide variant.
Coding change: c.570C>T on transcript NM_001101648.2 (MANE Select); coding-DNA position 570, C replaced by T.
Protein change: p.Gly190=; no amino-acid change (glycine 190 retained).
Molecular consequence: synonymous variant.
Genome position (GRCh38, 1-based): chr7:44,539,827, G>A on the plus strand (C>T on the coding strand, the complement: NPC1L1 is on the minus strand). VCF-style: chr7-44539827-G-A. GRCh37 (hg19) VCF-style: chr7-44579426-G-A.
Other names: c.570C>T, p.Gly190= (NM_001300967.2, NM_013389.3).
Identifiers: ClinVar variation 1049326 (VCV001049326.1), dbSNP rs201068177, ClinGen allele CA4242412.